The following is an entry in ClinVar:

NM_024675.4(PALB2):c.3114-12T>A

Gene: PALB2 (partner and localizer of BRCA2; minus strand). Cytogenetic location: 16p12.2.
Variant type: single nucleotide variant.
Coding change: c.3114-12T>A on transcript NM_024675.4 (MANE Select); 12 bases into the intron before coding-DNA position 3114, T replaced by A.
Molecular consequence: intron variant.
Genome position (GRCh38, 1-based): chr16:23,614,103, A>T on the plus strand (T>A on the coding strand, the complement: PALB2 is on the minus strand). VCF-style: chr16-23614103-A-T. GRCh37 (hg19) VCF-style: chr16-23625424-A-T.
Identifiers: ClinVar variation 1993528 (VCV001993528.4), dbSNP rs2506268032, ClinGen allele CA2580091261.

ClinVar aggregate classification (germline): Uncertain significance (1 of 4 stars; one submission).

Conditions:
Familial cancer of breast. Also called: hereditary breast carcinoma; Hereditary breast cancer; BREAST CANCER, FAMILIAL. Identifiers: Orphanet 227535, MedGen C0346153, MONDO:0016419, OMIM 114480. Disease mechanism: loss of function.

Submission:

Labcorp Genetics (formerly Invitae), Labcorp
Classification: Uncertain significance for Familial cancer of breast. Last evaluated: 2022-05-12. Review status: criteria provided, single submitter. Criteria: Invitae Variant Classification Sherloc (09022015). Collection method: clinical testing. Allele origin: germline.
Comment: This sequence change falls in intron 10 of the PALB2 gene. It does not directly change the encoded amino acid sequence of the PALB2 protein. This variant is not present in population databases (gnomAD no frequency). In summary, the available evidence is currently insufficient to determine the role of this variant in disease. Therefore, it has been classified as a Variant of Uncertain Significance. Algorithms developed to predict the effect of sequence changes on RNA splicing suggest that this variant may disrupt the consensus splice site. This variant has not been reported in the literature in individuals affected with PALB2-related conditions.